The following is an entry in ClinVar:

ClinVar aggregate classification (germline): Likely benign. Review status: criteria provided, multiple submitters, no conflicts (2 of 4 stars). 2 submissions from 2 submitters: Likely benign (2). Last evaluated 2018-06-14.

Allele frequency attached by ClinVar (database versions not stated): 1000 Genomes Project 30x 0.00515; 1000 Genomes Project 0.00519; TOPMed 0.00621; gnomAD 0.00651 and 0.00666; gnomAD exomes 0.00865.
gnomAD v4.1: 7,273 of 877,184 alleles (0.83%); highest among the groups gnomAD compares: Middle Eastern, 1.5%; 37 homozygotes.

Submissions (2):

GeneDx
Classification: Likely benign. Last evaluated: 2018-06-14. Review status: criteria provided, single submitter. Criteria: GeneDx Variant Classification (06012015). Collection method: clinical testing. Allele origin: germline. Affected: yes.
Comment: This variant is considered likely benign or benign based on one or more of the following criteria: it is a conservative change, it occurs at a poorly conserved position in the protein, it is predicted to be benign by multiple in silico algorithms, and/or has population frequency not consistent with disease.

Breakthrough Genomics
Classification: Likely benign. Review status: criteria provided, single submitter. Criteria: ACMG Guidelines, 2015. Collection method: not provided. Allele origin: germline. Inheritance: Autosomal dominant inheritance. Affected: yes.

NM_000093.5(COL5A1):c.3259-99A>T

Gene: COL5A1 (collagen type V alpha 1 chain; plus strand). Cytogenetic location: 9q34.3.
Variant type: single nucleotide variant.
Coding change: c.3259-99A>T on transcript NM_000093.5 (MANE Select); 99 bases into the intron before coding-DNA position 3259, A replaced by T.
Molecular consequence: intron variant.
Genome position (GRCh38, 1-based): chr9:134,806,090, A>T. VCF-style: chr9-134806090-A-T. GRCh37 (hg19) VCF-style: chr9-137697936-A-T.
Other names: c.3259-99A>T (NM_001278074.1).
Identifiers: ClinVar variation 675814 (VCV000675814.2), dbSNP rs78713145, ClinGen allele CA201081831.